The following is an entry in ClinVar:

NM_004493.3(HSD17B10):c.293G>T (p.Ser98Ile)

Gene: HSD17B10 (hydroxysteroid 17-beta dehydrogenase 10; minus strand). Cytogenetic location: Xp11.22.
Variant type: single nucleotide variant.
Coding change: c.293G>T on transcript NM_004493.3 (MANE Select); coding-DNA position 293, G replaced by T.
Protein change: p.Ser98Ile; replaces serine 98 with isoleucine.
Molecular consequence: missense variant.
Genome position (GRCh38, 1-based): chrX:53,432,311, C>A on the plus strand (G>T on the coding strand, the complement: HSD17B10 is on the minus strand). VCF-style: chrX-53432311-C-A. GRCh37 (hg19) VCF-style: chrX-53459259-C-A.
Other names: c.293G>T, p.Ser98Ile (NM_001037811.2); short protein forms S98I.
Identifiers: ClinVar variation 949420 (VCV000949420.9), dbSNP rs2075828065, ClinGen allele CA413152948.

ClinVar aggregate classification (germline): Uncertain significance (1 of 4 stars; one submission).

Allele frequency attached by ClinVar (database versions not stated): gnomAD exomes 0.00001.
gnomAD v4.1: 8 of 1,210,829 alleles (0.00066%); highest among the groups gnomAD compares: Non-Finnish European, 0.00089%; no homozygotes.

Submission:

Labcorp Genetics (formerly Invitae), Labcorp
Classification: Uncertain significance. Last evaluated: 2019-05-02. Review status: criteria provided, single submitter. Criteria: Invitae Variant Classification Sherloc (09022015). Collection method: clinical testing. Allele origin: germline.
Comment: This sequence change replaces serine with isoleucine at codon 98 of the HSD17B10 protein (p.Ser98Ile). The serine residue is weakly conserved and there is a large physicochemical difference between serine and isoleucine. This variant is not present in population databases (ExAC no frequency). This variant has not been reported in the literature in individuals with HSD17B10-related conditions. Algorithms developed to predict the effect of missense changes on protein structure and function output the following: SIFT: "Tolerated"; PolyPhen-2: "Benign"; Align-GVGD: "Class C0". The isoleucine amino acid residue is found in multiple mammalian species, suggesting that this missense change does not adversely affect protein function. These predictions have not been confirmed by published functional studies and their clinical significance is uncertain. In summary, the available evidence is currently insufficient to determine the role of this variant in disease. Therefore, it has been classified as a Variant of Uncertain Significance.